The following is an entry in ClinVar:

NM_005120.3(MED12):c.2056-3C>T

Gene: MED12 (mediator complex subunit 12; plus strand). Cytogenetic location: Xq13.1.
Variant type: single nucleotide variant.
Coding change: c.2056-3C>T on transcript NM_005120.3 (MANE Select); 3 bases into the intron before coding-DNA position 2056, C replaced by T.
Molecular consequence: intron variant.
Genome position (GRCh38, 1-based): chrX:71,124,973, C>T. VCF-style: chrX-71124973-C-T. GRCh37 (hg19) VCF-style: chrX-70344823-C-T.
Identifiers: ClinVar variation 4752392 (VCV004752392.1).
Genomic context (GRCh38, chrX:71,124,973, plus strand): 5'-GTTTTTTTGCCCCCTCATCCACTTTCCTTCTTCTCATGTTCTGCTTTCTCACCTTTCTCT[C>T]AGTTGTTCTCCCCTACTATGCCCTGTGAGGGGAAGGGCAGTCCATCCCCTGAGAAGCCAG-3'

ClinVar aggregate classification (germline): Uncertain significance (1 of 4 stars; one submission).

Conditions:
FG syndrome (FGS). Identifiers: MedGen C0220769, MONDO:0002010.

Submission:

Labcorp Genetics (formerly Invitae), Labcorp
Classification: Uncertain significance for FG syndrome. Last evaluated: 2025-08-17. Review status: criteria provided, single submitter. Criteria: Invitae Variant Classification Sherloc (09022015). Collection method: clinical testing. Allele origin: germline.
Comment: This sequence change falls in intron 14 of the MED12 gene. It does not directly change the encoded amino acid sequence of the MED12 protein. It affects a nucleotide within the consensus splice site. This variant is not present in population databases (gnomAD no frequency). This variant has not been reported in the literature in individuals affected with MED12-related conditions. Variants that disrupt the consensus splice site are a relatively common cause of aberrant splicing (PMID: 17576681, 9536098). Algorithms developed to predict the effect of sequence changes on RNA splicing suggest that this variant is not likely to affect RNA splicing. In summary, the available evidence is currently insufficient to determine the role of this variant in disease. Therefore, it has been classified as a Variant of Uncertain Significance.

Literature cited by the submitters: PubMed 17576681; PubMed 9536098.